The following is an entry in ClinVar:

ClinVar aggregate classification (germline): Uncertain significance. Review status: criteria provided, multiple submitters, no conflicts (2 of 4 stars). 2 submissions from 2 submitters: Uncertain significance (2). Last evaluated 2025-08-13.

Conditions:
Inborn genetic diseases. Identifiers: MedGen C0950123, MeSH D030342.

gnomAD v4.1: 1 of 1,613,160 alleles (0.000062%); highest among the groups gnomAD compares: Non-Finnish European, 0.000085%; no homozygotes.

Submissions (2):

Ambry Genetics
Classification: Uncertain significance for Inborn genetic diseases. Last evaluated: 2025-08-13. Review status: criteria provided, single submitter. Criteria: Ambry Variant Classification Scheme 2023. Collection method: clinical testing. Allele origin: germline.

Labcorp Genetics (formerly Invitae), Labcorp
Classification: Uncertain significance. Last evaluated: 2025-07-31. Review status: criteria provided, single submitter. Criteria: Invitae Variant Classification Sherloc (09022015). Collection method: clinical testing. Allele origin: germline.
Comment: This sequence change replaces proline, which is neutral and non-polar, with serine, which is neutral and polar, at codon 3192 of the DCHS1 protein (p.Pro3192Ser). This variant is not present in population databases (gnomAD no frequency). This variant has not been reported in the literature in individuals affected with DCHS1-related conditions. ClinVar contains an entry for this variant (Variation ID: 3682696). Invitae Evidence Modeling of protein sequence and biophysical properties (such as structural, functional, and spatial information, amino acid conservation, physicochemical variation, residue mobility, and thermodynamic stability) indicates that this missense variant is not expected to disrupt DCHS1 protein function with a negative predictive value of 95%. In summary, the available evidence is currently insufficient to determine the role of this variant in disease. Therefore, it has been classified as a Variant of Uncertain Significance.

NM_003737.4(DCHS1):c.9574C>T (p.Pro3192Ser)

Gene: DCHS1 (dachsous cadherin-related 1; minus strand). Cytogenetic location: 11p15.4.
Variant type: single nucleotide variant.
Coding change: c.9574C>T on transcript NM_003737.4 (MANE Select); coding-DNA position 9574, C replaced by T.
Protein change: p.Pro3192Ser; replaces proline 3192 with serine.
Molecular consequence: missense variant.
Genome position (GRCh38, 1-based): chr11:6,622,102, G>A on the plus strand (C>T on the coding strand, the complement: DCHS1 is on the minus strand). VCF-style: chr11-6622102-G-A. GRCh37 (hg19) VCF-style: chr11-6643333-G-A.
Other names: c.9574C>T (NM_003737.2); short protein forms P3192S.
Identifiers: ClinVar variation 3682696 (VCV003682696.3).